The following is an entry in ClinVar:

ClinVar aggregate classification (germline): Uncertain significance (1 of 4 stars; one submission).

Submission:

Labcorp Genetics (formerly Invitae), Labcorp
Classification: Uncertain significance. Last evaluated: 2022-03-19. Review status: criteria provided, single submitter. Criteria: Invitae Variant Classification Sherloc (09022015). Collection method: clinical testing. Allele origin: germline.
Comment: In summary, the available evidence is currently insufficient to determine the role of this variant in disease. Therefore, it has been classified as a Variant of Uncertain Significance. This sequence change replaces alanine, which is neutral and non-polar, with threonine, which is neutral and polar, at codon 269 of the POLA1 protein (p.Ala269Thr). This variant is not present in population databases (gnomAD no frequency). This variant has not been reported in the literature in individuals affected with POLA1-related conditions. Algorithms developed to predict the effect of missense changes on protein structure and function output the following: SIFT: "Tolerated"; PolyPhen-2: "Benign"; Align-GVGD: "Class C0". The threonine amino acid residue is found in multiple mammalian species, which suggests that this missense change does not adversely affect protein function.

NM_001330360.2(POLA1):c.823G>A (p.Ala275Thr)

Gene: POLA1 (DNA polymerase alpha 1, catalytic subunit; plus strand). Cytogenetic location: Xp22.11.
Variant type: single nucleotide variant.
Coding change: c.823G>A on transcript NM_001330360.2 (MANE Select); coding-DNA position 823, G replaced by A.
Protein change: p.Ala275Thr; replaces alanine 275 with threonine.
Molecular consequence: missense variant. On other transcripts: non-coding transcript variant (2).
Genome position (GRCh38, 1-based): chrX:24,717,406, G>A. VCF-style: chrX-24717406-G-A. GRCh37 (hg19) VCF-style: chrX-24735523-G-A.
Other names: c.823G>A, p.Ala275Thr (NM_001378303.1); c.805G>A, p.Ala269Thr (NM_016937.4); short protein forms A275T, A269T.
Identifiers: ClinVar variation 1382084 (VCV001382084.8), dbSNP rs2148346288, ClinGen allele CA412530337.